The following is an entry in ClinVar:

ClinVar aggregate classification (germline): Uncertain significance. Review status: criteria provided, single submitter (1 of 4 stars). 2 submissions from 2 submitters: Uncertain significance (1). 1 of the submissions does not count toward it. Last evaluated 2021-06-11.

Conditions:
Inborn genetic diseases. Identifiers: MedGen C0950123, MeSH D030342.
PIKFYVE-related disorder. Also called: PIKFYVE-related condition.

Allele frequency attached by ClinVar (database versions not stated): ExAC 0.00003; gnomAD exomes 0.00003; gnomAD 0.00024; TOPMed 0.00035; ESP Exome Variant Server 0.00046.
gnomAD v4.1: 75 of 1,614,064 alleles (0.0046%); highest among the groups gnomAD compares: African/African-American, 0.095%; no homozygotes.

Submissions (2):

Ambry Genetics
Classification: Uncertain significance for Inborn genetic diseases. Last evaluated: 2021-06-11. Review status: criteria provided, single submitter. Criteria: Ambry Variant Classification Scheme 2023. Collection method: clinical testing. Allele origin: germline.

PreventionGenetics, part of Exact Sciences
Classification: Likely benign for PIKFYVE-related condition. Last evaluated: 2024-06-13. Review status: no assertion criteria provided. Collection method: clinical testing. Allele origin: germline. Not counted in ClinVar's aggregate classification.
Comment: This variant is classified as likely benign based on ACMG/AMP sequence variant interpretation guidelines (Richards et al. 2015 PMID: 25741868, with internal and published modifications).

NM_015040.4(PIKFYVE):c.2682G>C (p.Glu894Asp)

Gene: PIKFYVE (phosphoinositide kinase, FYVE-type zinc finger containing; plus strand). Cytogenetic location: 2q34.
Variant type: single nucleotide variant.
Coding change: c.2682G>C on transcript NM_015040.4 (MANE Select); coding-DNA position 2682, G replaced by C.
Protein change: p.Glu894Asp; replaces glutamic acid 894 with aspartic acid.
Molecular consequence: missense variant.
Genome position (GRCh38, 1-based): chr2:208,325,493, G>C. VCF-style: chr2-208325493-G-C. GRCh37 (hg19) VCF-style: chr2-209190217-G-C.
Other names: short protein forms E894D.
Identifiers: ClinVar variation 2326906 (VCV002326906.3), dbSNP rs139157818, ClinGen allele CA2079896.
Genomic context (GRCh38, chr2:208,325,493, plus strand): 5'-GGATGAATTTGCTATGCCTCCCACATTAATGCAAAACCCTTCATTCCATTCCCTGATTGA[G>C]GGACGAGGGCATGAGGGGGCTGTCCAAGAGCAGTACGGTGGAGGTTCCATCCCCTGGGAT-3'
Protein context (NP_055855.2, residues 884-904): MQNPSFHSLI[Glu894Asp]GRGHEGAVQE